The following is an entry in ClinVar:

ClinVar aggregate classification (germline): Benign/Likely benign. Review status: criteria provided, multiple submitters, no conflicts (2 of 4 stars). 8 submissions from 8 submitters: Benign (5); Likely benign (3). Last evaluated 2025-12-30.

Conditions:
3-methylglutaconic aciduria type 1 (MGCA1). Identifiers: Orphanet 67046, MedGen C0342727, MONDO:0009610, OMIM 250950.

Allele frequency attached by ClinVar (database versions not stated): 1000 Genomes Project 0.00439; gnomAD 0.00455 and 0.00487; 1000 Genomes Project 30x 0.00468; ESP Exome Variant Server 0.00511; TOPMed 0.00513; gnomAD exomes 0.00115; ExAC 0.00284.
gnomAD v4.1: 1,357 of 1,555,180 alleles (0.087%); highest among the groups gnomAD compares: African/African-American, 1.7%; 12 homozygotes.

Submissions (8):

Labcorp Genetics (formerly Invitae), Labcorp
Classification: Benign for 3-methylglutaconic aciduria type 1. Last evaluated: 2025-12-30. Review status: criteria provided, single submitter. Criteria: Invitae Variant Classification Sherloc (09022015). Collection method: clinical testing. Allele origin: germline.

Mayo Clinic Laboratories, Mayo Clinic
Classification: Benign. Last evaluated: 2025-07-08. Review status: criteria provided, single submitter. Criteria: ACMG Guidelines, 2015. Collection method: clinical testing. Allele origin: germline. Observed: 5 variant alleles.
Comment: BA1, BP4_moderate

Blueprint Genetics
Classification: Likely benign. Last evaluated: 2024-11-26. Review status: criteria provided, single submitter. Criteria: ACMG Guidelines, 2015. Collection method: clinical testing. Allele origin: germline.

Illumina Laboratory Services, Illumina
Classification: Benign for 3-methylglutaconic aciduria type 1. Last evaluated: 2018-01-13. Review status: criteria provided, single submitter. Criteria: ICSL Variant Classification Criteria 13 December 2019. Collection method: clinical testing. Allele origin: germline.
Comment: This variant was observed in the ICSL laboratory as part of a predisposition screen in an ostensibly healthy population. It had not been previously curated by ICSL or reported in the Human Gene Mutation Database (HGMD: prior to June 1st, 2018), and was therefore a candidate for classification through an automated scoring system. Utilizing variant allele frequency, disease prevalence and penetrance estimates, and inheritance mode, an automated score was calculated to assess if this variant is too frequent to cause the disease. Based on the score and internal cut-off values, a variant classified as benign is not then subjected to further curation. The score for this variant resulted in a classification of benign for this disease.

Center for Pediatric Genomic Medicine, Children's Mercy Hospital and Clinics
Classification: Likely benign. Last evaluated: 2016-09-01. Review status: criteria provided, single submitter. Criteria: ACMG Guidelines, 2015. Collection method: clinical testing. Allele origin: germline.
ClinVar note: Converted during submission from Likely Benign to Likely benign.

Eurofins Ntd Llc (ga)
Classification: Benign. Last evaluated: 2016-02-29. Review status: criteria provided, single submitter. Criteria: EGL Classification Definitions 2015. Collection method: clinical testing. Allele origin: germline. Observed: 1 variant allele, 1 heterozygote.

GeneDx
Classification: Benign. Last evaluated: 2014-11-13. Review status: criteria provided, single submitter. Criteria: GeneDx Variant Classification (06012015). Collection method: clinical testing. Allele origin: germline. Affected: yes.
Comment: This variant is considered likely benign or benign based on one or more of the following criteria: it is a conservative change, it occurs at a poorly conserved position in the protein, it is predicted to be benign by multiple in silico algorithms, and/or has population frequency not consistent with disease.

Breakthrough Genomics
Classification: Likely benign. Review status: criteria provided, single submitter. Criteria: ACMG Guidelines, 2015. Collection method: not provided. Allele origin: germline. Inheritance: Autosomal recessive inheritance. Affected: yes.

NM_001698.3(AUH):c.182C>A (p.Pro61His)

Genes: AUH (AU RNA binding methylglutaconyl-CoA hydratase; minus strand), LOC130002059 (ATAC-STARR-seq lymphoblastoid silent region 20025; plus strand). Cytogenetic location: 9q22.31.
Variant type: single nucleotide variant.
Coding change: c.182C>A on transcript NM_001698.3 (MANE Select); coding-DNA position 182, C replaced by A.
Protein change: p.Pro61His; replaces proline 61 with histidine.
Molecular consequence: missense variant. On other transcripts: 5 prime UTR variant (3).
Genome position (GRCh38, 1-based): chr9:91,361,708, G>T on the plus strand (C>A on the coding strand, the complement: AUH is on the minus strand). VCF-style: chr9-91361708-G-T. GRCh37 (hg19) VCF-style: chr9-94123990-G-T.
Other names: p.P61H:CCC>CAC; p.Pro61His; c.182C>A, p.Pro61His (NM_001306190.2); c.-216C>A (NM_001351431.2, NM_001351433.2); c.-308C>A (NM_001351432.2); short protein forms P61H.
Identifiers: ClinVar variation 214144 (VCV000214144.25), dbSNP rs181327211, ClinGen allele CA322544.